The following is an entry in ClinVar:

ClinVar aggregate classification (germline): Uncertain significance (1 of 4 stars; one submission).

Conditions:
Hypertrophic cardiomyopathy 10. Also called: MYL2-Related Familial Hypertrophic Cardiomyopathy; CARDIOMYOPATHY, HYPERTROPHIC, MID-LEFT VENTRICULAR CHAMBER TYPE, 2. Identifiers: MedGen C1834460, MONDO:0012112, OMIM 608758.

Allele frequency attached by ClinVar (database versions not stated): gnomAD exomes below 0.00001.
gnomAD v4.1: 1 of 1,614,186 alleles (0.000062%); highest among the groups gnomAD compares: South Asian, 0.0011%; no homozygotes.

Submission:

Labcorp Genetics (formerly Invitae), Labcorp
Classification: Uncertain significance for Hypertrophic cardiomyopathy 10. Last evaluated: 2022-02-23. Review status: criteria provided, single submitter. Criteria: Invitae Variant Classification Sherloc (09022015). Collection method: clinical testing. Allele origin: germline.
Comment: This variant is not present in population databases (gnomAD no frequency). In summary, the available evidence is currently insufficient to determine the role of this variant in disease. Therefore, it has been classified as a Variant of Uncertain Significance. Algorithms developed to predict the effect of sequence changes on RNA splicing suggest that this variant may create or strengthen a splice site. Experimental studies and prediction algorithms are not available or were not evaluated, and the functional significance of this variant is currently unknown. This variant has not been reported in the literature in individuals affected with MYL2-related conditions. This sequence change creates a premature translational stop signal (p.Glu134*) in the MYL2 gene. While this is not anticipated to result in nonsense mediated decay, it is expected to disrupt the last 33 amino acid(s) of the MYL2 protein.

NM_000432.4(MYL2):c.400G>T (p.Glu134Ter)

Gene: MYL2 (myosin light chain 2; minus strand). Cytogenetic location: 12q24.11.
Variant type: single nucleotide variant.
Coding change: c.400G>T on transcript NM_000432.4 (MANE Select); coding-DNA position 400, G replaced by T.
Protein change: p.Glu134Ter; replaces glutamic acid 134 with a stop codon.
Molecular consequence: nonsense.
Genome position (GRCh38, 1-based): chr12:110,913,098, C>A on the plus strand (G>T on the coding strand, the complement: MYL2 is on the minus strand). VCF-style: chr12-110913098-C-A. GRCh37 (hg19) VCF-style: chr12-111350902-C-A.
Other names: short protein forms E134*.
Identifiers: ClinVar variation 1388338 (VCV001388338.6), dbSNP rs2136770365, ClinGen allele CA386697692.